The following is an entry in ClinVar:

NM_152381.6(XIRP2):c.6048T>C (p.Val2016=)

Gene: XIRP2 (xin actin binding repeat containing 2; plus strand). Cytogenetic location: 2q24.3.
Variant type: single nucleotide variant.
Coding change: c.6048T>C on transcript NM_152381.6 (MANE Select); coding-DNA position 6048, T replaced by C.
Protein change: p.Val2016=; no amino-acid change (valine 2016 retained).
Molecular consequence: synonymous variant. On other transcripts: intron variant (3).
Genome position (GRCh38, 1-based): chr2:167,247,440, T>C. VCF-style: chr2-167247440-T-C. GRCh37 (hg19) VCF-style: chr2-168103950-T-C.
Other names: c.6048T>C (NM_152381.5); c.5382T>C, p.Val1794= (NM_001199144.2); c.1275+5530T>C (NM_001199143.2); c.1176+5530T>C (NM_001079810.4); c.510+5530T>C (NM_001199145.2).
Identifiers: ClinVar variation 711197 (VCV000711197.30), dbSNP rs116578731, ClinGen allele CA1947332.

ClinVar aggregate classification (germline): Benign. Review status: criteria provided, multiple submitters, no conflicts (2 of 4 stars). 4 submissions from 4 submitters: Benign (3). 1 of the submissions does not count toward it. Last evaluated 2022-10-01.

Conditions:
XIRP2-related disorder. Also called: XIRP2-related condition.

Allele frequency attached by ClinVar (database versions not stated): ESP Exome Variant Server 0.00825; gnomAD exomes 0.00836 and 0.00625; 1000 Genomes Project 30x 0.00297; 1000 Genomes Project 0.00300; TOPMed 0.00626; gnomAD 0.00643 and 0.00695; ExAC 0.00651.
gnomAD v4.1: 13,242 of 1,613,682 alleles (0.82%); highest among the groups gnomAD compares: Non-Finnish European, 0.97%; 85 homozygotes.

Submissions (4):

CeGaT Center for Human Genetics Tuebingen
Classification: Benign. Last evaluated: 2022-10-01. Review status: criteria provided, single submitter. Criteria: CeGaT Center For Human Genetics Tuebingen Variant Classification Criteria Version 2. Collection method: clinical testing. Allele origin: germline. Affected: yes. Observed: 1 variant allele.
Comment: XIRP2: BP4, BP7, BS1, BS2

Labcorp Genetics (formerly Invitae), Labcorp
Classification: Benign. Last evaluated: 2019-12-31. Review status: criteria provided, single submitter. Criteria: Invitae Variant Classification Sherloc (09022015). Collection method: clinical testing. Allele origin: germline.

Breakthrough Genomics
Classification: Benign. Review status: criteria provided, single submitter. Criteria: ACMG Guidelines, 2015. Collection method: not provided. Allele origin: germline. Inheritance: Unknown mechanism. Affected: yes.

PreventionGenetics, part of Exact Sciences
Classification: Benign for XIRP2-related condition. Last evaluated: 2019-02-22. Review status: no assertion criteria provided. Collection method: clinical testing. Allele origin: germline. Not counted in ClinVar's aggregate classification.
Comment: This variant is classified as benign based on ACMG/AMP sequence variant interpretation guidelines (Richards et al. 2015 PMID: 25741868, with internal and published modifications).